The following is an entry in ClinVar:

ClinVar aggregate classification (germline): Pathogenic (1 of 4 stars; one submission).

Submission:

ISCA site 4
Classification: Pathogenic. Last evaluated: 2011-08-12. Review status: criteria provided, single submitter. Criteria: Kaminsky et al. (Genet Med. 2011). Collection method: clinical testing. Allele origin: unknown. Affected: yes. Observed: 1 variant allele.
Comment: Copy number variation identified through the course of routine clinical cytogenomic testing in postnatal populations. Clinical assertions have been curated as described in Kaminsky et al. 2011.

GRCh38/hg38 22q11.21(chr22:18339130-21086225)x3

Genes: AIFM3 (AIF family member 3; plus strand), ARVCF (ARVCF delta catenin family member; minus strand), C22orf39 (chromosome 22 open reading frame 39; minus strand), CCDC188 (coiled-coil domain containing 188; minus strand), CDC45 (cell division cycle 45; plus strand) and 185 more. Cytogenetic location: 22q11.21.
Variant type: copy number gain.
Change: copy number 3 (three copies instead of two) of chr22:18,339,130-21,086,225 (2.75 Mb, GRCh38 coordinates, 1-based), cytogenetic band 22q11.21.
Identifiers: ClinVar variation 160984 (VCV000160984.1).